The following is an entry in ClinVar:

ClinVar aggregate classification (germline): Conflicting classifications of pathogenicity. Review status: criteria provided, conflicting classifications (1 of 4 stars). 7 submissions from 7 submitters: Pathogenic (1); Likely pathogenic (2); Uncertain significance (2). 2 of the submissions do not count toward it. Last evaluated 2025-08-20.

Conditions:
Usher syndrome. Also called: Usher Syndromes; Usher's syndrome. Identifiers: Orphanet 886, MedGen CN469326, MeSH D052245, MONDO:0019501. Disease mechanism: loss of function.
Autosomal recessive nonsyndromic hearing loss 2. Also called: DEAFNESS, AUTOSOMAL RECESSIVE 2; NEUROSENSORY NONSYNDROMIC RECESSIVE DEAFNESS 2. Identifiers: Orphanet 90636, MedGen C1838701, MONDO:0010807, OMIM 600060.
Usher syndrome type 1 (USH1). Also called: RETINITIS PIGMENTOSA AND CONGENITAL DEAFNESS. Identifiers: Orphanet 231169, Orphanet 886, MedGen C1568247, MONDO:0010168, OMIM 276900.
Autosomal dominant nonsyndromic hearing loss 11. Identifiers: Orphanet 90635, MedGen C1832475, MONDO:0011032, OMIM 601317.
Usher syndrome type 1B (USH1B). Also called: Usher syndrome type IB. Identifiers: MedGen C1848638, MONDO:0700087.

Allele frequency attached by ClinVar (database versions not stated): gnomAD exomes below 0.00001; TOPMed below 0.00001; gnomAD 0.00001.

Submissions (7):

Labcorp Genetics (formerly Invitae), Labcorp
Classification: Pathogenic. Last evaluated: 2025-08-20. Review status: criteria provided, single submitter. Criteria: Invitae Variant Classification Sherloc (09022015). Collection method: clinical testing. Allele origin: germline.
Comment: This variant, c.1401_1403dup, results in the insertion of 1 amino acid(s) of the MYO7A protein (p.Arg467_His468insGln), but otherwise preserves the integrity of the reading frame. This variant is not present in population databases (gnomAD no frequency). This variant has been observed in individual(s) with clinical features of autosomal recessive MYO7A-related conditions (PMID: 8900236; internal data). This variant is also known as 468+Gln. ClinVar contains an entry for this variant (Variation ID: 43145). For these reasons, this variant has been classified as Pathogenic.

Women's Health and Genetics/Laboratory Corporation of America, LabCorp
Classification: Likely pathogenic for Usher syndrome. Last evaluated: 2025-04-21. Review status: criteria provided, single submitter. Criteria: LabCorp Variant Classification Summary - May 2015. Collection method: clinical testing. Allele origin: germline.
Comment: Variant summary: MYO7A c.1401_1403dupGCA (p.Arg467_His468insGln) results in an in-frame insertion that is predicted to insert one amino acid into the Myosin head, motor domain (IPR001609) of the encoded protein. The variant was absent in 230428 control chromosomes. It has also been observed in individual(s) with clinical features of Autosomal Recessive MYO7A-related conditions tested at our laboratory (internal data). These data indicate that the variant is likely to be associated with disease. To our knowledge, no experimental evidence demonstrating an impact on protein function has been reported. The following publications have been ascertained in the context of this evaluation (PMID: 16963483, 20146813, 9718356, 8900236). ClinVar contains an entry for this variant (Variation ID: 43145). Based on the evidence outlined above, the variant was classified as likely pathogenic.

Blueprint Genetics
Classification: Uncertain significance. Last evaluated: 2024-07-15. Review status: criteria provided, single submitter. Criteria: ACMG Guidelines, 2015. Collection method: clinical testing. Allele origin: germline.

Fulgent Genetics
Classification: Likely pathogenic for Usher syndrome type 1; Autosomal recessive nonsyndromic hearing loss 2; Autosomal dominant nonsyndromic hearing loss 11. Last evaluated: 2024-04-27. Review status: criteria provided, single submitter. Criteria: ACMG Guidelines, 2015. Collection method: clinical testing. Allele origin: germline.

Laboratory for Molecular Medicine, Mass General Brigham Personalized Medicine
Classification: Uncertain significance. Last evaluated: 2018-04-05. Review status: criteria provided, single submitter. Criteria: LMM Criteria. Collection method: clinical testing. Allele origin: germline. Observed: 2 variant alleles.
Comment: The p.Arg467_His468insGln variant in MYO7A has been reported in the heterozygous state in 2 individuals with Usher syndrome type 1 (Weston 1996). This variant w as absent from large population studies, though the ability of these studies to accurately detect indels may be limited. This variant is an insertion of 1 amino acid at position 467 and is not predicted to alter the protein reading-frame. I t is unclear if this insertion will impact the protein. In summary, the clinical significance of the p.Arg467_His468insGln variant is uncertain. ACMG/AMP Criter ia applied: PM2; PM4_Supporting.

Natera, Inc.
Classification: Uncertain significance for Usher syndrome type 1B. Last evaluated: 2021-07-20. Review status: no assertion criteria provided. Collection method: clinical testing. Allele origin: germline. Not counted in ClinVar's aggregate classification.

Counsyl
Classification: Uncertain significance for Usher syndrome type 1; Autosomal recessive nonsyndromic hearing loss 2. Last evaluated: 2017-06-19. Review status: no assertion criteria provided. Collection method: clinical testing. Allele origin: unknown. Not counted in ClinVar's aggregate classification.

Literature cited by the submitters: PubMed 8900236 (cited by 4 submitters); PubMed 16963483 (cited by Women's Health and Genetics/Laboratory Corporation of America, LabCorp); PubMed 20146813 (cited by Women's Health and Genetics/Laboratory Corporation of America, LabCorp); PubMed 9718356 (cited by Women's Health and Genetics/Laboratory Corporation of America, LabCorp).

NM_000260.4(MYO7A):c.1401_1403dup (p.Arg467_His468insGln)

Gene: MYO7A (myosin VIIA; plus strand). Cytogenetic location: 11q13.5.
Variant type: Duplication.
Coding change: c.1401_1403dup on transcript NM_000260.4 (MANE Select); coding-DNA positions 1401 to 1403, 3 bases duplicated (GCA; older notation c.1401_1403dupGCA).
Protein change: p.Arg467_His468insGln.
Molecular consequence: inframe insertion.
Genome position (GRCh38, 1-based): chr11:77,162,177-77,162,179, GCA duplicated. VCF-style (leftmost placement, unchanged base first): chr11-77162176-G-GGCA. GRCh37 (hg19) VCF-style: chr11-76873222-G-GGCA.
Other names: c.1401_1403dup, p.Arg467_His468insGln (NM_001127180.2); c.1368_1370dup, p.Arg456_His457insGln (NM_001369365.1); c.1401_1403dupGCA (NM_000260.4, NM_000260.3).
Identifiers: ClinVar variation 43145 (VCV000043145.21), dbSNP rs111033219, ClinGen allele CA278625.
Genomic context (GRCh38, chr11:77,162,176, plus strand): 5'-GCAGCTTTGAGCAGCTCTGCATCAACTTCGCCAATGAGCACCTGCAGCAGTTCTTTGTGC[G>GGCA]GCACGTGTTCAAGCTGGAGCAGGAGGAATATGACCTGGAGAGCATTGACTGGCTGCACAT-3'